The following is an entry in ClinVar:

ClinVar aggregate classification (germline): Uncertain significance (1 of 4 stars; one submission).

gnomAD v4.1: 1 of 1,613,736 alleles (0.000062%); highest among the groups gnomAD compares: South Asian, 0.0011%; no homozygotes.

Submission:

GeneDx
Classification: Uncertain significance. Last evaluated: 2024-07-22. Review status: criteria provided, single submitter. Criteria: GeneDx Variant Classification Process June 2021. Collection method: clinical testing. Allele origin: germline. Affected: yes.
Comment: Not observed at significant frequency in large population cohorts (gnomAD); In silico analysis indicates that this missense variant does not alter protein structure/function; Has not been previously published as pathogenic or benign to our knowledge

NM_001256012.3(MYH10):c.974T>C (p.Ile325Thr)

Gene: MYH10 (myosin heavy chain 10; minus strand). Cytogenetic location: 17p13.1.
Variant type: single nucleotide variant.
Coding change: c.974T>C on transcript NM_001256012.3 (MANE Select); coding-DNA position 974, T replaced by C.
Protein change: p.Ile325Thr; replaces isoleucine 325 with threonine.
Molecular consequence: missense variant.
Genome position (GRCh38, 1-based): chr17:8,548,733, A>G on the plus strand (T>C on the coding strand, the complement: MYH10 is on the minus strand). VCF-style: chr17-8548733-A-G. GRCh37 (hg19) VCF-style: chr17-8452051-A-G.
Other names: c.971T>C, p.Ile324Thr (NM_001256095.2); c.974T>C, p.Ile325Thr (NM_001375266.1); c.944T>C, p.Ile315Thr (NM_005964.5); short protein forms I315T, I324T, I325T.
Identifiers: ClinVar variation 3600767 (VCV003600767.1).